The following is an entry in ClinVar:

NM_006031.6(PCNT):c.8338G>T (p.Val2780Leu)

Gene: PCNT (pericentrin; plus strand). Cytogenetic location: 21q22.3.
Variant type: single nucleotide variant.
Coding change: c.8338G>T on transcript NM_006031.6 (MANE Select); coding-DNA position 8338, G replaced by T.
Protein change: p.Val2780Leu; replaces valine 2780 with leucine.
Molecular consequence: missense variant.
Genome position (GRCh38, 1-based): chr21:46,431,802, G>T. VCF-style: chr21-46431802-G-T. GRCh37 (hg19) VCF-style: chr21-47851716-G-T.
Other names: c.7984G>T, p.Val2662Leu (NM_001315529.2); short protein forms V2662L, V2780L.
Identifiers: ClinVar variation 4987744 (VCV004987744.1).

ClinVar aggregate classification (germline): Uncertain significance (1 of 4 stars; one submission).

Conditions:
PCNT-related disorder. Also called: PCNT-related condition.

Submission:

PreventionGenetics, part of Exact Sciences
Classification: Uncertain significance for PCNT-related condition. Last evaluated: 2025-01-23. Review status: criteria provided, single submitter. Criteria: ACMG Guidelines, 2015. Collection method: clinical testing. Allele origin: germline.
Comment: The PCNT c.8338G>T variant is predicted to result in the amino acid substitution p.Val2780Leu. To our knowledge, this variant has not been reported in the literature or in a large population database (gnomAD), indicating this variant is rare. At this time, the clinical significance of this variant is uncertain due to the absence of conclusive functional and genetic evidence.